The following is an entry in ClinVar:

NM_004153.4(ORC1):c.2580C>T (p.Asp860=)

Gene: ORC1 (origin recognition complex subunit 1; minus strand). Cytogenetic location: 1p32.3.
Variant type: single nucleotide variant.
Coding change: c.2580C>T on transcript NM_004153.4 (MANE Select); coding-DNA position 2580, C replaced by T.
Protein change: p.Asp860=; no amino-acid change (aspartic acid 860 retained).
Molecular consequence: synonymous variant.
Genome position (GRCh38, 1-based): chr1:52,373,187, G>A on the plus strand (C>T on the coding strand, the complement: ORC1 is on the minus strand). VCF-style: chr1-52373187-G-A. GRCh37 (hg19) VCF-style: chr1-52838859-G-A.
Other names: c.2580C>T, p.Asp860= (NM_001190818.2); c.2565C>T, p.Asp855= (NM_001190819.2).
Identifiers: ClinVar variation 703217 (VCV000703217.49), dbSNP rs61756139, ClinGen allele CA852991.
Genomic context (GRCh38, chr1:52,373,187, plus strand): 5'-GTCTCAAAAAACAAAACCCAGCAAGACCCCAGTCTTTTAACTTGTGAAGCCCCTTTACTC[G>A]TCTTTCAGCGCATACAGCACATCATCCTGGCTGACGTTGAGCCGCACCCGAAGGAGCAGA-3'
Protein context (NP_004144.2, residues 850-861): SQDDVLYALK[Asp860=]E

ClinVar aggregate classification (germline): Conflicting classifications of pathogenicity. Review status: criteria provided, conflicting classifications (1 of 4 stars). 5 submissions from 5 submitters: Uncertain significance (1); Benign (1); Likely benign (2). 1 of the submissions does not count toward it. Last evaluated 2025-11-18.

Conditions:
ORC1-related disorder. Also called: ORC1-related condition.
Meier-Gorlin syndrome 1 (MGORS1). Also called: EAR, PATELLA, SHORT STATURE SYNDROME. Identifiers: Orphanet 2554, MedGen C4552001, MONDO:0009143, OMIM 224690.

Allele frequency attached by ClinVar (database versions not stated): 1000 Genomes Project 30x 0.00031; ESP Exome Variant Server 0.00038; 1000 Genomes Project 0.00040; TOPMed 0.00048; gnomAD exomes 0.00063 and 0.00084; gnomAD 0.00065 and 0.00067; ExAC 0.00094.
gnomAD v4.1: 1,019 of 1,614,052 alleles (0.063%); highest among the groups gnomAD compares: South Asian, 0.16%; 3 homozygotes.

Submissions (5):

Labcorp Genetics (formerly Invitae), Labcorp
Classification: Benign. Last evaluated: 2025-11-18. Review status: criteria provided, single submitter. Criteria: Invitae Variant Classification Sherloc (09022015). Collection method: clinical testing. Allele origin: germline.

Blueprint Genetics
Classification: Likely benign. Last evaluated: 2024-10-04. Review status: criteria provided, single submitter. Criteria: ACMG Guidelines, 2015. Collection method: clinical testing. Allele origin: germline.

CeGaT Center for Human Genetics Tuebingen
Classification: Likely benign. Last evaluated: 2023-06-01. Review status: criteria provided, single submitter. Criteria: CeGaT Center For Human Genetics Tuebingen Variant Classification Criteria Version 2. Collection method: clinical testing. Allele origin: germline. Affected: yes. Observed: 4 variant alleles.
Comment: ORC1: BP4, BP7

Illumina Laboratory Services, Illumina
Classification: Uncertain significance for Meier-Gorlin syndrome 1. Last evaluated: 2017-04-28. Review status: criteria provided, single submitter. Criteria: ICSL Variant Classification Criteria 13 December 2019. Collection method: clinical testing. Allele origin: germline.

PreventionGenetics, part of Exact Sciences
Classification: Likely benign for ORC1-related condition. Last evaluated: 2019-10-28. Review status: no assertion criteria provided. Collection method: clinical testing. Allele origin: germline. Not counted in ClinVar's aggregate classification.
Comment: This variant is classified as likely benign based on ACMG/AMP sequence variant interpretation guidelines (Richards et al. 2015 PMID: 25741868, with internal and published modifications).